The following is an entry in ClinVar:

NM_213599.3(ANO5):c.689A>G (p.Asp230Gly)

Gene: ANO5 (anoctamin 5; plus strand). Cytogenetic location: 11p14.3.
Variant type: single nucleotide variant.
Coding change: c.689A>G on transcript NM_213599.3 (MANE Select); coding-DNA position 689, A replaced by G.
Protein change: p.Asp230Gly; replaces aspartic acid 230 with glycine.
Molecular consequence: missense variant.
Genome position (GRCh38, 1-based): chr11:22,236,203, A>G. VCF-style: chr11-22236203-A-G. GRCh37 (hg19) VCF-style: chr11-22257749-A-G.
Other names: c.686A>G, p.Asp229Gly (NM_001142649.2); short protein forms D230G, D229G.
Identifiers: ClinVar variation 283967 (VCV000283967.20), dbSNP rs139259793, ClinGen allele CA5922994.

ClinVar aggregate classification (germline): Conflicting classifications of pathogenicity. Review status: criteria provided, conflicting classifications (1 of 4 stars). 4 submissions from 4 submitters: Uncertain significance (3); Likely benign (1). Last evaluated 2026-01-14.

Conditions:
Gnathodiaphyseal dysplasia (GDD). Also called: GNATHODIAPHYSEAL SCLEROSIS; OSTEOGENESIS IMPERFECTA WITH UNUSUAL SKELETAL LESIONS. Identifiers: Orphanet 53697, MedGen C1833736, MONDO:0008151, OMIM 166260.
Autosomal recessive limb-girdle muscular dystrophy type 2L (LGMDR12). Also called: Limb-girdle muscular dystrophy, type 2L; Limb-Girdle Muscular Dystrophy R12 Anoctamin-5-Related (LGMD-R12); MUSCULAR DYSTROPHY, LIMB-GIRDLE, AUTOSOMAL RECESSIVE 12. Identifiers: Orphanet 206549, MedGen C1969785, MONDO:0012652, OMIM 611307.

Allele frequency attached by ClinVar (database versions not stated): gnomAD exomes 0.00001 and 0.00009; ExAC 0.00010; TOPMed 0.00020; gnomAD 0.00023 and 0.00025; ESP Exome Variant Server 0.00038; 1000 Genomes Project 0.00040; 1000 Genomes Project 30x 0.00047.
gnomAD v4.1: 60 of 1,613,388 alleles (0.0037%); highest among the groups gnomAD compares: African/African-American, 0.059%; no homozygotes.

Submissions (4):

Labcorp Genetics (formerly Invitae), Labcorp
Classification: Likely benign for Autosomal recessive limb-girdle muscular dystrophy type 2L; Gnathodiaphyseal dysplasia. Last evaluated: 2026-01-14. Review status: criteria provided, single submitter. Criteria: Invitae Variant Classification Sherloc (09022015). Collection method: clinical testing. Allele origin: germline.

GeneDx
Classification: Uncertain significance. Last evaluated: 2025-08-07. Review status: criteria provided, single submitter. Criteria: GeneDx Variant Classification Process June 2021. Collection method: clinical testing. Allele origin: germline. Affected: yes.
Comment: Identified with a second ANO5 variant in an individual with limb-girdle muscular dystrophy in the published literature, but it is not known whether the variants occurred on the same (in cis) or on different (in trans) chromosomes (PMID: 31353849, 31268554); In silico analysis supports that this missense variant has a deleterious effect on protein structure/function; In silico analysis is inconclusive as to whether the variant alters gene splicing. In the absence of RNA/functional studies, the actual effect of this sequence change is unknown; This variant is associated with the following publications: (PMID: 30564623, 31268554, 31353849)

Revvity Omics, Revvity
Classification: Uncertain significance. Last evaluated: 2025-04-14. Review status: criteria provided, single submitter. Criteria: ACMG Guidelines, 2015. Collection method: clinical testing. Allele origin: germline.

Eurofins Ntd Llc (ga)
Classification: Uncertain significance. Last evaluated: 2017-10-25. Review status: criteria provided, single submitter. Criteria: EGL Classification Definitions 2015. Collection method: clinical testing. Allele origin: germline. Observed: 5 variant alleles, 5 heterozygotes.